The following is an entry in ClinVar:

ClinVar aggregate classification (germline): Uncertain significance (1 of 4 stars; one submission).

Conditions:
Early Myoclonic Encephalopathy. Identifiers: MedGen C0270855.

gnomAD v4.1: 11 of 1,613,892 alleles (0.00068%); highest among the groups gnomAD compares: East Asian, 0.011%; no homozygotes.

Submission:

Labcorp Genetics (formerly Invitae), Labcorp
Classification: Uncertain significance for Early Myoclonic Encephalopathy. Last evaluated: 2022-02-18. Review status: criteria provided, single submitter. Criteria: Invitae Variant Classification Sherloc (09022015). Collection method: clinical testing. Allele origin: germline.
Comment: This sequence change replaces aspartic acid, which is acidic and polar, with alanine, which is neutral and non-polar, at codon 568 of the JMJD1C protein (p.Asp568Ala). This variant is present in population databases (rs201464655, gnomAD 0.006%). This variant has not been reported in the literature in individuals affected with JMJD1C-related conditions. Algorithms developed to predict the effect of missense changes on protein structure and function (SIFT, PolyPhen-2, Align-GVGD) all suggest that this variant is likely to be tolerated. In summary, the available evidence is currently insufficient to determine the role of this variant in disease. Therefore, it has been classified as a Variant of Uncertain Significance.

NM_032776.3(JMJD1C):c.1703A>C (p.Asp568Ala)

Gene: JMJD1C (jumonji domain containing 1C; minus strand). Cytogenetic location: 10q21.3.
Variant type: single nucleotide variant.
Coding change: c.1703A>C on transcript NM_032776.3 (MANE Select); coding-DNA position 1703, A replaced by C.
Protein change: p.Asp568Ala; replaces aspartic acid 568 with alanine.
Molecular consequence: missense variant. On other transcripts: non-coding transcript variant (1).
Genome position (GRCh38, 1-based): chr10:63,214,464, T>G on the plus strand (A>C on the coding strand, the complement: JMJD1C is on the minus strand). VCF-style: chr10-63214464-T-G. GRCh37 (hg19) VCF-style: chr10-64974224-T-G.
Other names: c.1157A>C, p.Asp386Ala (NM_001282948.2, NM_001318154.2); c.839A>C, p.Asp280Ala (NM_001318153.2); c.1589A>C, p.Asp530Ala (NM_001322252.2); c.1046A>C, p.Asp349Ala (NM_001322254.2, NM_001322258.2); short protein forms D280A, D349A, D530A, D568A, D386A.
Identifiers: ClinVar variation 2048109 (VCV002048109.4), dbSNP rs201464655, ClinGen allele CA5518765.